The following is an entry in ClinVar:

ClinVar aggregate classification (germline): Uncertain significance (1 of 4 stars; one submission).

gnomAD v4.1: 1 of 1,614,172 alleles (0.000062%); highest among the groups gnomAD compares: Non-Finnish European, 0.000085%; no homozygotes.

Submission:

GeneDx
Classification: Uncertain significance. Last evaluated: 2025-06-27. Review status: criteria provided, single submitter. Criteria: GeneDx Variant Classification Process June 2021. Collection method: clinical testing. Allele origin: germline. Affected: yes.
Comment: Not observed at significant frequency in large population cohorts (gnomAD); In silico analysis suggests that this missense variant does not alter protein structure/function; Has not been previously published as pathogenic or benign to our knowledge

NM_152722.5(HEPACAM):c.901G>A (p.Glu301Lys)

Gene: HEPACAM (hepatic and glial cell adhesion molecule; minus strand). Cytogenetic location: 11q24.2.
Variant type: single nucleotide variant.
Coding change: c.901G>A on transcript NM_152722.5 (MANE Select); coding-DNA position 901, G replaced by A.
Protein change: p.Glu301Lys; replaces glutamic acid 301 with lysine.
Molecular consequence: missense variant.
Genome position (GRCh38, 1-based): chr11:124,922,435, C>T on the plus strand (G>A on the coding strand, the complement: HEPACAM is on the minus strand). VCF-style: chr11-124922435-C-T. GRCh37 (hg19) VCF-style: chr11-124792331-C-T.
Other names: c.1057G>A, p.Glu353Lys (NM_001411043.1); c.898G>A, p.Glu300Lys (NM_001441320.1); short protein forms E300K, E301K, E353K.
Identifiers: ClinVar variation 4539989 (VCV004539989.1).